The following is an entry in ClinVar:

ClinVar aggregate classification (germline): Uncertain significance. Review status: criteria provided, multiple submitters, no conflicts (2 of 4 stars). 2 submissions from 2 submitters: Uncertain significance (2). Last evaluated 2025-12-01.

Conditions:
Neuroblastoma, susceptibility to, 3. Also called: ALK-Related Neuroblastic Tumor Susceptibility. Identifiers: Orphanet 635, MedGen C2751681, MONDO:0013083, OMIM 613014.
Hereditary cancer-predisposing syndrome. Also called: Hereditary neoplastic syndrome; Tumor predisposition; Neoplastic Syndromes, Hereditary; Hereditary Cancer Syndrome. Identifiers: Orphanet 140162, MedGen C0027672, MeSH D009386, MONDO:0015356.

Allele frequency attached by ClinVar (database versions not stated): gnomAD exomes below 0.00001.
gnomAD v4.1: 1 of 1,614,156 alleles (0.000062%); highest among the groups gnomAD compares: Non-Finnish European, 0.000085%; no homozygotes.

Submissions (2):

Labcorp Genetics (formerly Invitae), Labcorp
Classification: Uncertain significance for Neuroblastoma, susceptibility to, 3. Last evaluated: 2025-12-01. Review status: criteria provided, single submitter. Criteria: Invitae Variant Classification Sherloc (09022015). Collection method: clinical testing. Allele origin: germline.
Comment: This sequence change replaces arginine, which is basic and polar, with serine, which is neutral and polar, at codon 1530 of the ALK protein (p.Arg1530Ser). This variant is not present in population databases (gnomAD no frequency). This variant has not been reported in the literature in individuals affected with ALK-related conditions. ClinVar contains an entry for this variant (Variation ID: 951840). An algorithm developed to predict the effect of missense changes on protein structure and function (PolyPhen-2) suggests that this variant is likely to be tolerated. In summary, the available evidence is currently insufficient to determine the role of this variant in disease. Therefore, it has been classified as a Variant of Uncertain Significance.

Ambry Genetics
Classification: Uncertain significance for Hereditary cancer-predisposing syndrome. Last evaluated: 2024-09-30. Review status: criteria provided, single submitter. Criteria: Ambry Variant Classification Scheme 2023. Collection method: clinical testing. Allele origin: germline.
Comment: The p.R1530S variant (also known as c.4590G>T), located in coding exon 29 of the ALK gene, results from a G to T substitution at nucleotide position 4590. The arginine at codon 1530 is replaced by serine, an amino acid with dissimilar properties. This amino acid position is conserved. In addition, this alteration is predicted to be tolerated by in silico analysis. Since supporting evidence is limited at this time, the clinical significance of this alteration remains unclear.

NM_004304.5(ALK):c.4590G>T (p.Arg1530Ser)

Gene: ALK (ALK receptor tyrosine kinase; minus strand). Cytogenetic location: 2p23.2.
Variant type: single nucleotide variant.
Coding change: c.4590G>T on transcript NM_004304.5 (MANE Select); coding-DNA position 4590, G replaced by T.
Protein change: p.Arg1530Ser; replaces arginine 1530 with serine.
Molecular consequence: missense variant.
Genome position (GRCh38, 1-based): chr2:29,193,497, C>A on the plus strand (G>T on the coding strand, the complement: ALK is on the minus strand). VCF-style: chr2-29193497-C-A. GRCh37 (hg19) VCF-style: chr2-29416363-C-A.
Other names: c.1386G>T, p.Arg462Ser (NM_001353765.2); short protein forms R1530S, R462S.
Identifiers: ClinVar variation 951840 (VCV000951840.13), dbSNP rs1668933679, ClinGen allele CA346460657.
Genomic context (GRCh38, chr2:29,193,497, plus strand): 5'-AAGTCTCCCAGTTGCAACGTTAGGTGGGACAGTACAGCTTCCCTCCAGCCCCAGGTTACC[C>A]CTGTCGTGTGGCTCCTTCTTTGCTATAGGATTATTCTTTTTGGTGGGTTTCTCTGTAAAC-3'
Protein context (NP_004295.2, residues 1520-1540): NPIAKKEPHD[Arg1530Ser]GNLGLEGSCT